The following is an entry in ClinVar:

ClinVar aggregate classification (germline): Benign. Review status: criteria provided, multiple submitters, no conflicts (2 of 4 stars). 3 submissions from 3 submitters: Benign (2). 1 of the submissions does not count toward it. Last evaluated 2026-01-19.

Conditions:
GPR45-related condition.

Allele frequency attached by ClinVar (database versions not stated): ESP Exome Variant Server 0.00208; 1000 Genomes Project 0.00339; 1000 Genomes Project 30x 0.00359.

Submissions (3):

Labcorp Genetics (formerly Invitae), Labcorp
Classification: Benign. Last evaluated: 2026-01-19. Review status: criteria provided, single submitter. Criteria: Invitae Variant Classification Sherloc (09022015). Collection method: clinical testing. Allele origin: germline.

Breakthrough Genomics
Classification: Benign. Review status: criteria provided, single submitter. Criteria: ACMG Guidelines, 2015. Collection method: not provided. Allele origin: germline. Inheritance: Unknown mechanism. Affected: yes.

PreventionGenetics, part of Exact Sciences
Classification: Likely benign for GPR45-related condition. Last evaluated: 2024-04-16. Review status: no assertion criteria provided. Collection method: clinical testing. Allele origin: germline. Not counted in ClinVar's aggregate classification.
Comment: This variant is classified as likely benign based on ACMG/AMP sequence variant interpretation guidelines (Richards et al. 2015 PMID: 25741868, with internal and published modifications).

NM_007227.3(GPR45):c.570C>G (p.Pro190=)

Gene: GPR45 (G protein-coupled receptor 45; plus strand). Cytogenetic location: 2q12.1.
Variant type: single nucleotide variant.
Coding change: c.570C>G on transcript NM_007227.3 (MANE Select); coding-DNA position 570, C replaced by G.
Protein change: p.Pro190=; no amino-acid change (proline 190 retained).
Molecular consequence: synonymous variant.
Genome position (GRCh38, 1-based): chr2:105,242,428, C>G. VCF-style: chr2-105242428-C-G. GRCh37 (hg19) VCF-style: chr2-105858885-C-G.
Identifiers: ClinVar variation 1660255 (VCV001660255.10), dbSNP rs142497509, ClinGen allele CA1813616.